The following is an entry in ClinVar:

ClinVar aggregate classification (germline): Uncertain significance (1 of 4 stars; one submission).

Allele frequency attached by ClinVar (database versions not stated): gnomAD 0.00001; gnomAD exomes 0.00001 and 0.00002; ExAC 0.00003; 1000 Genomes Project 30x 0.00016; 1000 Genomes Project 0.00020.
gnomAD v4.1: 11 of 1,613,906 alleles (0.00068%); highest among the groups gnomAD compares: South Asian, 0.012%; no homozygotes.

Submission:

GeneDx
Classification: Uncertain significance. Last evaluated: 2014-03-05. Review status: criteria provided, single submitter. Criteria: GeneDx Variant Classification (06012015). Collection method: clinical testing. Allele origin: germline. Affected: yes.
Comment: The A570D variant has not been published as a mutation, nor has it been reported as a benign polymorphism to our knowledge. It was not observed in approximately 6,000 individuals of European and African American ancestry in the NHLBI Exome Sequencing Project, indicating it is not a common benign variant in these populations. The A570D variant is a non-conservative amino acid substitution, which is likely to impact secondary protein structure as these residues differ in polarity, charge, size and/or other properties. This substitution occurs at a position that is conserved in mammals. However, missense mutations in nearby residues have not been previously reported. In silico analysis is inconsistent in its predictions as to whether or not the variant is damaging to the protein structure/function. Therefore, based on the currently available information, it is unclear whether this variant is a pathogenic mutation or a rare benign variant. The variant is found in EPILEPSY panel(s).

NM_001330078.2(NRXN1):c.1589C>A (p.Ala530Asp)

Gene: NRXN1 (neurexin 1; minus strand). Cytogenetic location: 2p16.3.
Variant type: single nucleotide variant.
Coding change: c.1589C>A on transcript NM_001330078.2 (MANE Select); coding-DNA position 1589, C replaced by A.
Protein change: p.Ala530Asp; replaces alanine 530 with aspartic acid.
Molecular consequence: missense variant.
Genome position (GRCh38, 1-based): chr2:50,552,757, G>T on the plus strand (C>A on the coding strand, the complement: NRXN1 is on the minus strand). VCF-style: chr2-50552757-G-T. GRCh37 (hg19) VCF-style: chr2-50779895-G-T.
Other names: p.A570D:GCC>GAC; c.1709C>A, p.Ala570Asp (NM_001135659.3); c.1565C>A, p.Ala522Asp (NM_001330077.2, NM_001330082.2, NM_001330095.2); c.1550C>A, p.Ala517Asp (NM_001330083.2, NM_001330084.2); c.1589C>A, p.Ala530Asp (NM_001330085.2, NM_001330086.2, NM_004801.6); c.1505C>A, p.Ala502Asp (NM_001330087.2, NM_001330096.2); c.1535C>A, p.Ala512Asp (NM_001330088.2); c.1586C>A, p.Ala529Asp (NM_001330093.2); and 1 more; short protein forms A570D, A517D, A526D, A522D, A530D, A502D, A512D, A529D.
Identifiers: ClinVar variation 206221 (VCV000206221.2), dbSNP rs529697285, ClinGen allele CA316091.